The following is an entry in ClinVar:

NM_001184.4(ATR):c.3226C>A (p.His1076Asn)

Gene: ATR (ATR checkpoint kinase; minus strand). Cytogenetic location: 3q23.
Variant type: single nucleotide variant.
Coding change: c.3226C>A on transcript NM_001184.4 (MANE Select); coding-DNA position 3226, C replaced by A.
Protein change: p.His1076Asn; replaces histidine 1076 with asparagine.
Molecular consequence: missense variant.
Genome position (GRCh38, 1-based): chr3:142,547,856, G>T on the plus strand (C>A on the coding strand, the complement: ATR is on the minus strand). VCF-style: chr3-142547856-G-T. GRCh37 (hg19) VCF-style: chr3-142266698-G-T.
Other names: c.3034C>A, p.His1012Asn (NM_001354579.2); short protein forms H1012N, H1076N.
Identifiers: ClinVar variation 1729125 (VCV001729125.6), dbSNP rs2108451582, ClinGen allele CA354810828.
Genomic context (GRCh38, chr3:142,547,856, plus strand): 5'-TTGACAAACCATTAAAAACCTGTTGATAGTGTTCTCCAATACGCAGCAATAATTCATTAT[G>T]CAATCCTTGGAAATCTTGTCTCAACAGGCTCCCCAGTTCAATTTCTGTTTCATTCTAACC-3'
Protein context (NP_001175.2, residues 1066-1086): SLLRQDFQGL[His1076Asn]NELLLRIGEH

ClinVar aggregate classification (germline): Uncertain significance. Review status: criteria provided, multiple submitters, no conflicts (2 of 4 stars). 2 submissions from 2 submitters: Uncertain significance (2). Last evaluated 2023-08-29.

Conditions:
Inborn genetic diseases. Identifiers: MedGen C0950123, MeSH D030342.

Allele frequency attached by ClinVar (database versions not stated): gnomAD exomes 0.00001.
gnomAD v4.1: 6 of 1,613,842 alleles (0.00037%); highest among the groups gnomAD compares: South Asian, 0.0011%; no homozygotes.

Submissions (2):

Ambry Genetics
Classification: Uncertain significance for Inborn genetic diseases. Last evaluated: 2023-08-29. Review status: criteria provided, single submitter. Criteria: Ambry Variant Classification Scheme 2023. Collection method: clinical testing. Allele origin: germline.
Comment: The p.H1076N variant (also known as c.3226C>A), located in coding exon 16 of the ATR gene, results from a C to A substitution at nucleotide position 3226. The histidine at codon 1076 is replaced by asparagine, an amino acid with similar properties. This amino acid position is conserved. In addition, the in silico prediction for this alteration is inconclusive. Since supporting evidence is limited at this time, the clinical significance of this alteration remains unclear.

Labcorp Genetics (formerly Invitae), Labcorp
Classification: Uncertain significance. Last evaluated: 2023-04-28. Review status: criteria provided, single submitter. Criteria: Invitae Variant Classification Sherloc (09022015). Collection method: clinical testing. Allele origin: germline.
Comment: In summary, the available evidence is currently insufficient to determine the role of this variant in disease. Therefore, it has been classified as a Variant of Uncertain Significance. An algorithm developed to predict the effect of missense changes on protein structure and function (PolyPhen-2) suggests that this variant is likely to be disruptive. ClinVar contains an entry for this variant (Variation ID: 1729125). This variant has not been reported in the literature in individuals affected with ATR-related conditions. This variant is not present in population databases (gnomAD no frequency). This sequence change replaces histidine, which is basic and polar, with asparagine, which is neutral and polar, at codon 1076 of the ATR protein (p.His1076Asn).